The following is an entry in ClinVar:

NM_176822.4(NLRP14):c.61G>A (p.Glu21Lys)

Gene: NLRP14 (NLR family pyrin domain containing 14; plus strand). Cytogenetic location: 11p15.4.
Variant type: single nucleotide variant.
Coding change: c.61G>A on transcript NM_176822.4 (MANE Select); coding-DNA position 61, G replaced by A.
Protein change: p.Glu21Lys; replaces glutamic acid 21 with lysine.
Molecular consequence: missense variant.
Genome position (GRCh38, 1-based): chr11:7,038,647, G>A. VCF-style: chr11-7038647-G-A. GRCh37 (hg19) VCF-style: chr11-7059878-G-A.
Other names: short protein forms E21K.
Identifiers: ClinVar variation 3052777 (VCV003052777.2), dbSNP rs11041150, ClinGen allele CA5864471.

ClinVar aggregate classification (germline): Likely benign (0 of 4 stars; one submission).

Conditions:
NLRP14-related disorder. Also called: NLRP14-related condition.

Allele frequency attached by ClinVar (database versions not stated): ESP Exome Variant Server 0.00008; gnomAD exomes 0.00076; gnomAD 0.00128; TOPMed 0.00147; ExAC 0.00233; 1000 Genomes Project 30x 0.00531; 1000 Genomes Project 0.00619.
gnomAD v4.1: 1,337 of 1,613,846 alleles (0.083%); highest among the groups gnomAD compares: East Asian, 2.6%; 18 homozygotes.

Submission:

PreventionGenetics, part of Exact Sciences
Classification: Likely benign for NLRP14-related condition. Last evaluated: 2019-04-09. Review status: no assertion criteria provided. Collection method: clinical testing. Allele origin: germline.
Comment: This variant is classified as likely benign based on ACMG/AMP sequence variant interpretation guidelines (Richards et al. 2015 PMID: 25741868, with internal and published modifications).